The following is an entry in ClinVar:

NM_006767.4(LZTR1):c.2318TGC[3] (p.Leu774_Gln775insLeu)

Gene: LZTR1 (leucine zipper like post translational regulator 1; plus strand). Cytogenetic location: 22q11.21.
Variant type: Microsatellite.
Coding change: c.2318TGC[3] on transcript NM_006767.4 (MANE Select); three copies in a row of the 3-base unit TGC starting at c.2318; the reference has two copies in a row; one copy, 3 bases duplicated.
Protein change: p.Leu774_Gln775insLeu.
Molecular consequence: inframe insertion.
Genome position (GRCh38, 1-based): chr22:20,996,797-20,996,799, TGC duplicated; duplicating any 3 consecutive bases within chr22:20,996,794-20,996,799 gives the same sequence; the position shown is the placement nearest the transcript's 3' end. VCF-style (leftmost placement, unchanged base first): chr22-20996793-G-GTGC. GRCh37 (hg19) VCF-style: chr22-21351082-G-GTGC.
Identifiers: ClinVar variation 4720548 (VCV004720548.1).

ClinVar aggregate classification (germline): Uncertain significance (1 of 4 stars; one submission).

Submission:

Labcorp Genetics (formerly Invitae), Labcorp
Classification: Uncertain significance. Last evaluated: 2025-06-01. Review status: criteria provided, single submitter. Criteria: Invitae Variant Classification Sherloc (09022015). Collection method: clinical testing. Allele origin: germline.
Comment: This variant, c.2321_2323dup, results in the insertion of 1 amino acid(s) of the LZTR1 protein (p.Leu774dup), but otherwise preserves the integrity of the reading frame. This variant is not present in population databases (gnomAD no frequency). This variant has not been reported in the literature in individuals affected with LZTR1-related conditions. In summary, the available evidence is currently insufficient to determine the role of this variant in disease. Therefore, it has been classified as a Variant of Uncertain Significance.